The following is an entry in ClinVar:

NM_013352.4(DSE):c.2582A>G (p.Asp861Gly)

Gene: DSE (dermatan sulfate epimerase; plus strand). Cytogenetic location: 6q22.1.
Variant type: single nucleotide variant.
Coding change: c.2582A>G on transcript NM_013352.4 (MANE Select); coding-DNA position 2582, A replaced by G.
Protein change: p.Asp861Gly; replaces aspartic acid 861 with glycine.
Molecular consequence: missense variant. On other transcripts: 3 prime UTR variant (2), non-coding transcript variant (1).
Genome position (GRCh38, 1-based): chr6:116,437,050, A>G. VCF-style: chr6-116437050-A-G. GRCh37 (hg19) VCF-style: chr6-116758213-A-G.
Other names: c.2582A>G, p.Asp861Gly (NM_001080976.3, NM_001322937.2, NM_001322938.2); c.2639A>G, p.Asp880Gly (NM_001322939.2); c.2021A>G, p.Asp674Gly (NM_001322940.2, NM_001322941.2); c.*1447A>G (NM_001322943.2, NM_001322944.2); c.1583A>G, p.Asp528Gly (NM_001374520.1); c.1547A>G, p.Asp516Gly (NM_001374521.1); short protein forms D528G, D674G, D880G, D516G, D861G.
Identifiers: ClinVar variation 1474945 (VCV001474945.6), dbSNP rs2115099078, ClinGen allele CA365408478.

ClinVar aggregate classification (germline): Uncertain significance (1 of 4 stars; one submission).

Conditions:
Ehlers-Danlos syndrome, musculocontractural type 2 (EDSMC2). Identifiers: Orphanet 2953, MedGen C3809845, MONDO:0014236, OMIM 615539.

Submission:

Labcorp Genetics (formerly Invitae), Labcorp
Classification: Uncertain significance for Ehlers-Danlos syndrome, musculocontractural type 2. Last evaluated: 2021-11-22. Review status: criteria provided, single submitter. Criteria: Invitae Variant Classification Sherloc (09022015). Collection method: clinical testing. Allele origin: germline.
Comment: In summary, the available evidence is currently insufficient to determine the role of this variant in disease. Therefore, it has been classified as a Variant of Uncertain Significance. Algorithms developed to predict the effect of missense changes on protein structure and function are either unavailable or do not agree on the potential impact of this missense change (SIFT: "Not Available"; PolyPhen-2: "Possibly Damaging"; Align-GVGD: "Not Available"). This variant has not been reported in the literature in individuals affected with DSE-related conditions. This variant is not present in population databases (gnomAD no frequency). This sequence change replaces aspartic acid, which is acidic and polar, with glycine, which is neutral and non-polar, at codon 861 of the DSE protein (p.Asp861Gly).